The following is an entry in ClinVar:

ClinVar aggregate classification (germline): Uncertain significance (1 of 4 stars; one submission).

Submission:

GeneDx
Classification: Uncertain significance. Last evaluated: 2019-09-23. Review status: criteria provided, single submitter. Criteria: GeneDx Variant Classification Process June 2021. Collection method: clinical testing. Allele origin: germline. Affected: yes.
Comment: Not observed in large population cohorts (Lek et al., 2016); In silico analysis, which includes splice predictors and evolutionary conservation, supports that this variant does not alter protein structure/function; Has not been previously published as pathogenic or benign to our knowledge

NM_178335.3(CCDC50):c.977-2dup

Gene: CCDC50 (coiled-coil domain containing 50; plus strand). Cytogenetic location: 3q28.
Variant type: Duplication.
Coding change: c.977-2dup on transcript NM_178335.3 (MANE Select); the canonical splice acceptor site of the intron before coding-DNA position 977, one base duplicated (A; older notation c.977-2dupA).
Molecular consequence: splice acceptor variant.
Genome position (GRCh38, 1-based): chr3:191,380,157, A duplicated; the last of 3 consecutive A bases (chr3:191,380,155-191,380,157); duplicating any one gives the same sequence. VCF-style (leftmost placement, unchanged base first): chr3-191380154-T-TA. GRCh37 (hg19) VCF-style: chr3-191097943-T-TA.
Other names: c.449-2dup (NM_174908.4).
Identifiers: ClinVar variation 1308793 (VCV001308793.2), dbSNP rs397874464, ClinGen allele CA2755401.